The following is an entry in ClinVar:

ClinVar aggregate classification (germline): Likely pathogenic (1 of 4 stars; one submission).

Conditions:
COL1A1-related disorder. Also called: COL1A1- related disease; COL1A1-related condition.

Submission:

PreventionGenetics, part of Exact Sciences
Classification: Likely pathogenic for COL1A1-related condition. Last evaluated: 2025-03-25. Review status: criteria provided, single submitter. Criteria: ACMG Guidelines, 2015. Collection method: clinical testing. Allele origin: germline.
Comment: The COL1A1 c.3214_3225delinsTGCTCTCCCCA variant is predicted to result in a frameshift and premature protein termination (p.Ala1072Cysfs*36). To our knowledge, this variant has not been reported in the literature or in a large population database (gnomAD), indicating this variant is rare. Frameshift variants in COL1A1 are expected to be pathogenic. This variant is interpreted as likely pathogenic.

NM_000088.4(COL1A1):c.3214_3225delinsTGCTCTCCCCA (p.Ala1072fs)

Gene: COL1A1 (collagen type I alpha 1 chain; minus strand). Cytogenetic location: 17q21.33.
Variant type: Indel.
Coding change: c.3214_3225delinsTGCTCTCCCCA on transcript NM_000088.4 (MANE Select); coding-DNA positions 3214 to 3225, GCTGGTCCCGCC replaced by TGCTCTCCCCA.
Protein change: p.Ala1072fs; shifts the reading frame from alanine 1072.
Molecular consequence: frameshift variant.
Genome position (GRCh38, 1-based): chr17:50,188,132-50,188,143, GGCGGGACCAGC replaced by TGGGGAGAGCA on the plus strand (GCTGGTCCCGCC replaced by TGCTCTCCCCA on the coding strand, the reverse complement: COL1A1 is on the minus strand). VCF-style: chr17-50188132-GGCGGGACCAGC-TGGGGAGAGCA. GRCh37 (hg19) VCF-style: chr17-48265493-GGTGGGACCAGC-TGGGGAGAGCA.
Other names: c.3214_3225delGCTGGTCCCGCCinsTGCTCTCCCCA, p.Ala1072Cysfs (NM_000088.3); short protein forms A1072fs.
Identifiers: ClinVar variation 4998192 (VCV004998192.1).
Genomic context (GRCh38, chr17:50,188,132, plus strand): 5'-TGGGGGACACAGCAGGGTACTTACGGCGGGGCCACGGGCGCCAACAGGGCCGACAGGACC[GGCGGGACCAGC>TGGGGAGAGCA]AGGACCCTGGGGAGAGCAAGGAAAGCATGAGCTCTTGGCCAGGGAAGGCTGAGGCTGGGG-3'